The following is an entry in ClinVar:

NM_001355436.2(SPTB):c.3765G>A (p.Arg1255=)

Genes: MIR7855 (microRNA 7855; minus strand), SPTB (spectrin beta, erythrocytic; minus strand). Cytogenetic location: 14q23.3.
Variant type: single nucleotide variant.
Coding change: c.3765G>A on transcript NM_001355436.2 (MANE Select); coding-DNA position 3765, G replaced by A.
Protein change: p.Arg1255=; no amino-acid change (arginine 1255 retained).
Molecular consequence: synonymous variant. On other transcripts: non-coding transcript variant (1).
Genome position (GRCh38, 1-based): chr14:64,785,627, C>T on the plus strand (G>A on the coding strand, the complement: SPTB is on the minus strand). VCF-style: chr14-64785627-C-T. GRCh37 (hg19) VCF-style: chr14-65252345-C-T.
Other names: c.3765G>A, p.Arg1255= (NM_001024858.4, NM_001355437.2).
Identifiers: ClinVar variation 3691217 (VCV003691217.2).

ClinVar aggregate classification (germline): Uncertain significance (1 of 4 stars; one submission).

gnomAD v4.1: 2 of 1,614,110 alleles (0.00012%); highest among the groups gnomAD compares: Non-Finnish European, 0.00017%; no homozygotes.

Submission:

Labcorp Genetics (formerly Invitae), Labcorp
Classification: Uncertain significance. Last evaluated: 2025-10-02. Review status: criteria provided, single submitter. Criteria: Invitae Variant Classification Sherloc (09022015). Collection method: clinical testing. Allele origin: germline.
Comment: This sequence change affects codon 1255 of the SPTB mRNA. It is a 'silent' change, meaning that it does not change the encoded amino acid sequence of the SPTB protein. It affects a nucleotide within the consensus splice site. This variant is not present in population databases (gnomAD no frequency). This variant has not been reported in the literature in individuals affected with SPTB-related conditions. ClinVar contains an entry for this variant (Variation ID: 3691217). Algorithms developed to predict the effect of sequence changes on RNA splicing suggest that this variant is not likely to affect RNA splicing. In summary, the available evidence is currently insufficient to determine the role of this variant in disease. Therefore, it has been classified as a Variant of Uncertain Significance.